The following is an entry in ClinVar:

NM_003036.4(SKI):c.696G>A (p.Leu232=)

Gene: SKI (SKI proto-oncogene; plus strand). Cytogenetic location: 1p36.33.
Variant type: single nucleotide variant.
Coding change: c.696G>A on transcript NM_003036.4 (MANE Select); coding-DNA position 696, G replaced by A.
Protein change: p.Leu232=; no amino-acid change (leucine 232 retained).
Molecular consequence: synonymous variant.
Genome position (GRCh38, 1-based): chr1:2,229,462, G>A. VCF-style: chr1-2229462-G-A. GRCh37 (hg19) VCF-style: chr1-2160901-G-A.
Identifiers: ClinVar variation 701605 (VCV000701605.14), dbSNP rs748272908, ClinGen allele CA536438.

ClinVar aggregate classification (germline): Likely benign. Review status: criteria provided, multiple submitters, no conflicts (2 of 4 stars). 4 submissions from 4 submitters: Likely benign (4). Last evaluated 2026-06-01.

Conditions:
Familial thoracic aortic aneurysm and aortic dissection (TAAD). Also called: Thoracic aortic aneurysms and dissections. Identifiers: Orphanet 91387, MedGen C4707243, MONDO:0019625.
Shprintzen-Goldberg syndrome (SGS). Also called: Marfanoid disorder with craniosynostosis type 1; Marfanoid craniosynostosis syndrome; Shprintzen-Goldberg marfanoid syndrome; SHPRINTZEN-GOLDBERG CRANIOSYNOSTOSIS SYNDROME; CRANIOSYNOSTOSIS WITH ARACHNODACTYLY AND ABDOMINAL HERNIAS. Identifiers: Orphanet 2462, MedGen C1321551, MONDO:0008426, OMIM 182212.

Allele frequency attached by ClinVar (database versions not stated): TOPMed 0.00003; ExAC 0.00004; gnomAD 0.00004; gnomAD exomes 0.00004.
gnomAD v4.1: 22 of 1,611,954 alleles (0.0014%); highest among the groups gnomAD compares: Admixed American, 0.02%; no homozygotes.

Submissions (4):

CeGaT Center for Human Genetics Tuebingen
Classification: Likely benign. Last evaluated: 2026-06-01. Review status: criteria provided, single submitter. Criteria: CeGaT Center For Human Genetics Tuebingen Variant Classification Criteria Version 2. Collection method: clinical testing. Allele origin: germline. Affected: yes. Observed: 1 variant allele.
Comment: SKI: BP4, BP7

Labcorp Genetics (formerly Invitae), Labcorp
Classification: Likely benign for Shprintzen-Goldberg syndrome. Last evaluated: 2025-08-10. Review status: criteria provided, single submitter. Criteria: Invitae Variant Classification Sherloc (09022015). Collection method: clinical testing. Allele origin: germline.

GeneDx
Classification: Likely benign. Last evaluated: 2021-01-25. Review status: criteria provided, single submitter. Criteria: GeneDx Variant Classification Process June 2021. Collection method: clinical testing. Allele origin: germline. Affected: yes.

Ambry Genetics
Classification: Likely benign for Familial thoracic aortic aneurysm and aortic dissection. Last evaluated: 2019-12-30. Review status: criteria provided, single submitter. Criteria: Ambry Variant Classification Scheme 2023. Collection method: clinical testing. Allele origin: germline.